The following is an entry in ClinVar:

ClinVar aggregate classification (germline): Uncertain significance (1 of 4 stars; one submission).

Conditions:
Cernunnos-XLF deficiency (IMD124). Also called: NHEJ1 SYNDROME; Severe combined immunodeficiency with sensitivity to ionizing radiation due to NHEJ1 deficiency; SCID, autosomal recessive, T cell-negative, B cell-negative, NK cell-positive, and sensitivity to ionizing radiation due to NHEJ1 deficiency; IMMUNODEFICIENCY 124, SEVERE COMBINED; SCID, AUTOSOMAL RECESSIVE, T CELL-NEGATIVE, B CELL-NEGATIVE, NK CELL-POSITIVE, WITH MICROCEPHALY, GROWTH RETARDATION, AND SENSITIVITY TO IONIZING RADIATION. Identifiers: Orphanet 169079, MedGen C1969799, MONDO:0012650, OMIM 611291.

Allele frequency attached by ClinVar (database versions not stated): gnomAD exomes 0.00001; ExAC 0.00002.
gnomAD v4.1: 3 of 1,610,306 alleles (0.00019%); highest among the groups gnomAD compares: Admixed American, 0.0033%; no homozygotes.

Submission:

Center for Genomics, Ann and Robert H. Lurie Children's Hospital of Chicago
Classification: Uncertain significance for Cernunnos-XLF deficiency. Last evaluated: 2021-11-23. Review status: criteria provided, single submitter. Criteria: ACMG Guidelines, 2015. Collection method: clinical testing. Allele origin: germline.
Comment: NHEJ1:NM_024782:exon7:c.825+3G>A: This variant has not been reported in the literature, but is present in 2/33580 Latino chromosomes in the Genome Aggregation Database. This variant is an intronic variant with no predicted change in the amino acid sequence but may have an unknown effect on splicing. Further studies are needed to understand its impact. In summary, data on this variant is insufficient for disease classification. Therefore, the clinical significance of this variant is uncertain.

NM_024782.3(NHEJ1):c.825+3G>A

Genes: NHEJ1 (non-homologous end joining factor 1; minus strand), LOC126806516 (BRD4-independent group 4 enhancer GRCh37_chr2:219941606-219942805; plus strand). Cytogenetic location: 2q35.
Variant type: single nucleotide variant.
Coding change: c.825+3G>A on transcript NM_024782.3 (MANE Select); 3 bases into the intron after coding-DNA position 825, G replaced by A.
Molecular consequence: intron variant.
Genome position (GRCh38, 1-based): chr2:219,077,243, C>T on the plus strand (G>A on the coding strand, the complement: NHEJ1 is on the minus strand). VCF-style: chr2-219077243-C-T. GRCh37 (hg19) VCF-style: chr2-219941965-C-T.
Other names: c.840+3G>A (NM_001377499.1); c.825+3G>A (NM_001377498.1).
Identifiers: ClinVar variation 626144 (VCV000626144.2), dbSNP rs750458375, ClinGen allele CA2116852.